The following is an entry in ClinVar:

NM_020964.3(EPG5):c.814G>A (p.Val272Ile)

Gene: EPG5 (ectopic P-granules 5 autophagy tethering factor; minus strand). Cytogenetic location: 18q21.1.
Variant type: single nucleotide variant.
Coding change: c.814G>A on transcript NM_020964.3 (MANE Select); coding-DNA position 814, G replaced by A.
Protein change: p.Val272Ile; replaces valine 272 with isoleucine.
Molecular consequence: missense variant.
Genome position (GRCh38, 1-based): chr18:45,954,588, C>T on the plus strand (G>A on the coding strand, the complement: EPG5 is on the minus strand). VCF-style: chr18-45954588-C-T. GRCh37 (hg19) VCF-style: chr18-43534554-C-T.
Other names: short protein forms V272I.
Identifiers: ClinVar variation 813542 (VCV000813542.10), dbSNP rs367846863, ClinGen allele CA8949884.

ClinVar aggregate classification (germline): Uncertain significance. Review status: criteria provided, single submitter (1 of 4 stars). 2 submissions from 2 submitters: Uncertain significance (1). 1 of the submissions does not count toward it. Last evaluated 2025-08-23.

Conditions:
Microcephaly. Also called: Microcephaly (disease). Identifiers: MedGen C4551563, MONDO:0001149, HP:0000252.
Vici syndrome (VICIS). Identifiers: Orphanet 1493, MedGen C1855772, MONDO:0009452, OMIM 242840.

Allele frequency attached by ClinVar (database versions not stated): gnomAD exomes below 0.00001; ExAC 0.00001; ESP Exome Variant Server 0.00008.
gnomAD v4.1: 4 of 1,614,240 alleles (0.00025%); highest among the groups gnomAD compares: Non-Finnish European, 0.00034%; no homozygotes.

Submissions (2):

Labcorp Genetics (formerly Invitae), Labcorp
Classification: Uncertain significance for Vici syndrome. Last evaluated: 2025-08-23. Review status: criteria provided, single submitter. Criteria: Invitae Variant Classification Sherloc (09022015). Collection method: clinical testing. Allele origin: germline.
Comment: This sequence change replaces valine, which is neutral and non-polar, with isoleucine, which is neutral and non-polar, at codon 272 of the EPG5 protein (p.Val272Ile). This variant is present in population databases (rs367846863, gnomAD 0.0009%). This variant has not been reported in the literature in individuals affected with EPG5-related conditions. ClinVar contains an entry for this variant (Variation ID: 813542). Invitae Evidence Modeling of protein sequence and biophysical properties (such as structural, functional, and spatial information, amino acid conservation, physicochemical variation, residue mobility, and thermodynamic stability) indicates that this missense variant is not expected to disrupt EPG5 protein function with a negative predictive value of 80%. In summary, the available evidence is currently insufficient to determine the role of this variant in disease. Therefore, it has been classified as a Variant of Uncertain Significance.

Department of Pediatrics, Samsung Medical Center, Samsung Medical Center
Classification: Uncertain significance for Microcephaly. Review status: no assertion criteria provided. Criteria: ACMG Guidelines, 2015. Collection method: research. Allele origin: germline. Affected: yes. Not counted in ClinVar's aggregate classification.